The following is an entry in ClinVar:

ClinVar aggregate classification (germline): Likely pathogenic (1 of 4 stars; one submission).

Conditions:
Inborn genetic diseases. Identifiers: MedGen C0950123, MeSH D030342.

Submission:

Ambry Genetics
Classification: Likely pathogenic for Inborn genetic diseases. Last evaluated: 2018-03-28. Review status: criteria provided, single submitter. Criteria: Ambry Variant Classification Scheme 2023. Collection method: clinical testing. Allele origin: germline.
Comment: The p.R474L variant (also known as c.1421G>T), located in coding exon 15 of the KCNT1 gene, results from a G to T substitution at nucleotide position 1421. The arginine at codon 474 is replaced by leucine, an amino acid with dissimilar properties. A different alteration, located at the same position, p.R474H, has been detected as a de novo occurrence in several individuals with diagnoses of malignant migrating focal seizures of infancy (MMFSI) or intractable epilepsy (Barcia G et al. Nat. Genet., 2012 Nov;44:1255-9; Ohba C et al. Epilepsia, 2015 Sep;56:e121-8; Ambry internal data). This amino acid position is highly conserved in available vertebrate species. In addition, the p.R474L alteration is predicted to be probably damaging and deleterious by PolyPhen and SIFT in silico analyses, respectively. Based on the majority of available evidence to date, this variant is likely to be pathogenic.

Literature cited by the submitters: PubMed 23086397; PubMed 26140313; PubMed 26436452.

NM_020822.3(KCNT1):c.1421G>T (p.Arg474Leu)

Gene: KCNT1 (potassium sodium-activated channel subfamily T member 1; plus strand). Cytogenetic location: 9q34.3.
Variant type: single nucleotide variant.
Coding change: c.1421G>T on transcript NM_020822.3 (MANE Select); coding-DNA position 1421, G replaced by T.
Protein change: p.Arg474Leu; replaces arginine 474 with leucine.
Molecular consequence: missense variant.
Genome position (GRCh38, 1-based): chr9:135,768,848, G>T. VCF-style: chr9-135768848-G-T. GRCh37 (hg19) VCF-style: chr9-138660694-G-T.
Other names: c.1286G>T, p.Arg429Leu (NM_001272003.2); short protein forms R429L, R474L.
Identifiers: ClinVar variation 1772271 (VCV001772271.2), dbSNP rs397515404, ClinGen allele CA375505174.